The following is an entry in ClinVar:

ClinVar aggregate classification (germline): Uncertain significance (1 of 4 stars; one submission).

Allele frequency attached by ClinVar (database versions not stated): TOPMed 0.00001.
gnomAD v4.1: 10 of 1,613,828 alleles (0.00062%); highest among the groups gnomAD compares: South Asian, 0.0088%; no homozygotes.

Submission:

Labcorp Genetics (formerly Invitae), Labcorp
Classification: Uncertain significance. Last evaluated: 2022-01-06. Review status: criteria provided, single submitter. Criteria: Invitae Variant Classification Sherloc (09022015). Collection method: clinical testing. Allele origin: germline.
Comment: This sequence change replaces aspartic acid, which is acidic and polar, with alanine, which is neutral and non-polar, at codon 773 of the EIF2AK3 protein (p.Asp773Ala). This variant is not present in population databases (gnomAD no frequency). This variant has not been reported in the literature in individuals affected with EIF2AK3-related conditions. Algorithms developed to predict the effect of missense changes on protein structure and function (SIFT, PolyPhen-2, Align-GVGD) all suggest that this variant is likely to be tolerated. In summary, the available evidence is currently insufficient to determine the role of this variant in disease. Therefore, it has been classified as a Variant of Uncertain Significance.

NM_004836.7(EIF2AK3):c.2318A>C (p.Asp773Ala)

Genes: EIF2AK3-AS1 (EIF2AK3 antisense RNA 1; plus strand), EIF2AK3 (eukaryotic translation initiation factor 2 alpha kinase 3; minus strand). Cytogenetic location: 2p11.2.
Variant type: single nucleotide variant.
Coding change: c.2318A>C on transcript NM_004836.7 (MANE Select); coding-DNA position 2318, A replaced by C.
Protein change: p.Asp773Ala; replaces aspartic acid 773 with alanine.
Molecular consequence: missense variant. On other transcripts: non-coding transcript variant (1).
Genome position (GRCh38, 1-based): chr2:88,575,165, T>G on the plus strand (A>C on the coding strand, the complement: EIF2AK3 is on the minus strand). VCF-style: chr2-88575165-T-G. GRCh37 (hg19) VCF-style: chr2-88874683-T-G.
Other names: c.1865A>C, p.Asp622Ala (NM_001313915.2); short protein forms D622A, D773A.
Identifiers: ClinVar variation 1470436 (VCV001470436.5), dbSNP rs1674423266, ClinGen allele CA347591915.